The following is an entry in ClinVar:

NM_000283.4(PDE6B):c.1910T>C (p.Leu637Pro)

Gene: PDE6B (phosphodiesterase 6B; plus strand). Cytogenetic location: 4p16.3.
Variant type: single nucleotide variant.
Coding change: c.1910T>C on transcript NM_000283.4 (MANE Select); coding-DNA position 1910, T replaced by C.
Protein change: p.Leu637Pro; replaces leucine 637 with proline.
Molecular consequence: missense variant.
Genome position (GRCh38, 1-based): chr4:663,177, T>C. VCF-style: chr4-663177-T-C. GRCh37 (hg19) VCF-style: chr4-656966-T-C.
Other names: c.1910T>C, p.Leu637Pro (NM_001145291.2); c.1073T>C, p.Leu358Pro (NM_001145292.2, NM_001350154.3, NM_001379246.1 and 1 more transcripts); c.755T>C, p.Leu252Pro (NM_001350155.3); c.1910T>C (NM_000283.3); short protein forms L358P, L252P, L637P.
Identifiers: ClinVar variation 1406467 (VCV001406467.7), dbSNP rs774575442, ClinGen allele CA2794746.
Genomic context (GRCh38, chr4:663,177, plus strand): 5'-CTAAGCTCCACGGCTCCTCGATTTTGGAGCGGCACCACCTGGAGTTTGGGAAGTTCCTGC[T>C]CTCGGAGGAGGTTGGTATACTCACCCTCGGTTTCTGCTGTGGGCGCTGGGGACGCAGCGT-3'
Protein context (NP_000274.3, residues 627-647): RHHLEFGKFL[Leu637Pro]SEETLNIYQN

ClinVar aggregate classification (germline): Uncertain significance. Review status: criteria provided, multiple submitters, no conflicts (2 of 4 stars). 2 submissions from 2 submitters: Uncertain significance (2). Last evaluated 2025-01-08.

Conditions:
Inborn genetic diseases. Identifiers: MedGen C0950123, MeSH D030342.

Allele frequency attached by ClinVar (database versions not stated): gnomAD exomes below 0.00001; TOPMed below 0.00001; ExAC 0.00001; gnomAD 0.00001.
gnomAD v4.1: 3 of 1,596,248 alleles (0.00019%); highest among the groups gnomAD compares: African/African-American, 0.0013%; no homozygotes.

Submissions (2):

Ambry Genetics
Classification: Uncertain significance for Inborn genetic diseases. Last evaluated: 2025-01-08. Review status: criteria provided, single submitter. Criteria: Ambry Variant Classification Scheme 2023. Collection method: clinical testing. Allele origin: germline.

Labcorp Genetics (formerly Invitae), Labcorp
Classification: Uncertain significance. Last evaluated: 2021-10-28. Review status: criteria provided, single submitter. Criteria: Invitae Variant Classification Sherloc (09022015). Collection method: clinical testing. Allele origin: germline.
Comment: In summary, the available evidence is currently insufficient to determine the role of this variant in disease. Therefore, it has been classified as a Variant of Uncertain Significance. Algorithms developed to predict the effect of missense changes on protein structure and function are either unavailable or do not agree on the potential impact of this missense change (SIFT: "Deleterious"; PolyPhen-2: "Benign"; Align-GVGD: "Class C0"). This variant has not been reported in the literature in individuals affected with PDE6B-related conditions. This variant is present in population databases (rs774575442, gnomAD 0.0009%). This sequence change replaces leucine, which is neutral and non-polar, with proline, which is neutral and non-polar, at codon 637 of the PDE6B protein (p.Leu637Pro).